The following is an entry in ClinVar:

NM_013266.4(CTNNA3):c.791C>T (p.Thr264Ile)

Gene: CTNNA3 (catenin alpha 3; minus strand). Cytogenetic location: 10q21.3.
Variant type: single nucleotide variant.
Coding change: c.791C>T on transcript NM_013266.4 (MANE Select); coding-DNA position 791, C replaced by T.
Protein change: p.Thr264Ile; replaces threonine 264 with isoleucine.
Molecular consequence: missense variant.
Genome position (GRCh38, 1-based): chr10:67,219,659, G>A on the plus strand (C>T on the coding strand, the complement: CTNNA3 is on the minus strand). VCF-style: chr10-67219659-G-A. GRCh37 (hg19) VCF-style: chr10-68979417-G-A.
Other names: c.791C>T, p.Thr264Ile (NM_001127384.3); c.827C>T, p.Thr276Ile (NM_001291133.2); short protein forms T264I, T276I.
Identifiers: ClinVar variation 4759691 (VCV004759691.1).

ClinVar aggregate classification (germline): Uncertain significance (1 of 4 stars; one submission).

Conditions:
Arrhythmogenic right ventricular dysplasia 13. Also called: Arrhythmogenic right ventricular dysplasia, familial, 13; ARRHYTHMOGENIC RIGHT VENTRICULAR CARDIOMYOPATHY 13. Identifiers: MedGen C3810138, MONDO:0000908, OMIM 615616.

gnomAD v4.1: 1 of 1,614,096 alleles (0.000062%); highest among the groups gnomAD compares: East Asian, 0.0022%; no homozygotes.

Submission:

Labcorp Genetics (formerly Invitae), Labcorp
Classification: Uncertain significance for Arrhythmogenic right ventricular dysplasia 13. Last evaluated: 2025-09-29. Review status: criteria provided, single submitter. Criteria: Invitae Variant Classification Sherloc (09022015). Collection method: clinical testing. Allele origin: germline.
Comment: This sequence change replaces threonine, which is neutral and polar, with isoleucine, which is neutral and non-polar, at codon 264 of the CTNNA3 protein (p.Thr264Ile). This variant is not present in population databases (gnomAD no frequency). This variant has not been reported in the literature in individuals affected with CTNNA3-related conditions. Invitae Evidence Modeling of protein sequence and biophysical properties (such as structural, functional, and spatial information, amino acid conservation, physicochemical variation, residue mobility, and thermodynamic stability) indicates that this missense variant is not expected to disrupt CTNNA3 protein function with a negative predictive value of 80%. In summary, the available evidence is currently insufficient to determine the role of this variant in disease. Therefore, it has been classified as a Variant of Uncertain Significance.